The following is an entry in ClinVar:

ClinVar aggregate classification (germline): Conflicting classifications of pathogenicity. Review status: criteria provided, conflicting classifications (1 of 4 stars). 7 submissions from 7 submitters: Uncertain significance (6); Likely benign (1). Last evaluated 2026-02-02.

Conditions:
Early-onset myopathy with fatal cardiomyopathy (CMYO5). Also called: Salih Myopathy; CONGENITAL MYOPATHY 5 WITH CARDIOMYOPATHY. Identifiers: Orphanet 289377, MedGen C2673677, MONDO:0012714, OMIM 611705. Disease mechanism: loss of function.
Dilated cardiomyopathy 1G (CMD1G). Identifiers: Orphanet 154, MedGen C1858763, MONDO:0011400, OMIM 604145.
Tibial muscular dystrophy (TMD). Also called: UDD MYOPATHY; Tibial muscular dystrophy, tardive; Udd Distal Myopathy – Tibial Muscular Dystrophy. Identifiers: Orphanet 609, MedGen C1838244, MONDO:0010870, OMIM 600334.
Autosomal recessive limb-girdle muscular dystrophy type 2J (LGMDR10). Also called: Limb-girdle muscular dystrophy, type 2J; MUSCULAR DYSTROPHY, LIMB-GIRDLE, AUTOSOMAL RECESSIVE 10. Identifiers: Orphanet 140922, MedGen C1837342, MONDO:0012127, OMIM 608807.
Hypertrophic cardiomyopathy 9. Also called: Familial hypertrophic cardiomyopathy 9. Identifiers: MedGen C1861065, MONDO:0013412, OMIM 613765.
Myopathy, myofibrillar, 9, with early respiratory failure (MFM9). Also called: Hereditary myopathy with early respiratory failure; MYOPATHY, PROXIMAL, WITH EARLY RESPIRATORY MUSCLE INVOLVEMENT; EDSTROM MYOPATHY; Myopathy, distal, with early respiratory failure, autosomal dominant. Identifiers: Orphanet 178464, Orphanet 34521, MedGen C1863599, MONDO:0011362, OMIM 603689.
Cardiomyopathy (CMYO). Also called: Cardiomyopathies. Identifiers: Orphanet 167848, MedGen C0878544, MONDO:0004994, HP:0001638. Inheritance: Various modes of inheritance.
TTN-related disorder. Also called: TTN-related condition; TTN-related disease; TTN-related disorders.

Allele frequency attached by ClinVar (database versions not stated): gnomAD exomes 0.00001 and 0.00004; ExAC 0.00004; ESP Exome Variant Server 0.00008; gnomAD 0.00012 and 0.00013; TOPMed 0.00019.
gnomAD v4.1: 48 of 1,613,754 alleles (0.003%); highest among the groups gnomAD compares: African/African-American, 0.037%; no homozygotes.

Submissions (7):

PreventionGenetics, part of Exact Sciences
Classification: Uncertain significance for TTN-related condition. Last evaluated: 2026-02-02. Review status: criteria provided, single submitter. Criteria: ACMG Guidelines, 2015. Collection method: clinical testing. Allele origin: germline.
Comment: The TTN c.27715T>C variant is predicted to result in the amino acid substitution p.Tyr9239His. To our knowledge, this variant has not been reported in the literature. This variant is reported in 0.037% of alleles in individuals of African descent in gnomAD. At this time, the clinical significance of this variant is uncertain due to the absence of conclusive functional and genetic evidence.

Athena Diagnostics
Classification: Uncertain significance. Last evaluated: 2024-03-08. Review status: criteria provided, single submitter. Criteria: Athena Diagnostics Criteria. Collection method: clinical testing. Allele origin: unknown.
Comment: Available data are insufficient to determine the clinical significance of the variant at this time. The frequency of this variant in the general population is higher than would generally be expected for pathogenic variants in this gene. Computational tools disagree on the variant's effect on normal protein function.

Revvity Omics, Revvity
Classification: Uncertain significance. Last evaluated: 2023-08-03. Review status: criteria provided, single submitter. Criteria: ACMG Guidelines, 2015. Collection method: clinical testing. Allele origin: germline.

CHEO Genetics Diagnostic Laboratory, Children's Hospital of Eastern Ontario
Classification: Likely benign for Cardiomyopathy. Last evaluated: 2022-09-08. Review status: criteria provided, single submitter. Criteria: ACMG Guidelines, 2015. Collection method: clinical testing. Allele origin: germline.

Fulgent Genetics
Classification: Uncertain significance for Tibial muscular dystrophy; Myopathy, myofibrillar, 9, with early respiratory failure; Dilated cardiomyopathy 1G; Autosomal recessive limb-girdle muscular dystrophy type 2J; Early-onset myopathy with fatal cardiomyopathy; Hypertrophic cardiomyopathy 9. Last evaluated: 2021-08-17. Review status: criteria provided, single submitter. Criteria: ACMG Guidelines, 2015. Collection method: clinical testing. Allele origin: unknown.

Eurofins Ntd Llc (ga)
Classification: Uncertain significance. Last evaluated: 2018-07-05. Review status: criteria provided, single submitter. Criteria: EGL ClinVar v180209 classification definitions. Collection method: clinical testing. Allele origin: germline. Observed: 2 variant alleles, 2 heterozygotes.

Labcorp Genetics (formerly Invitae), Labcorp
Classification: Uncertain significance for Dilated cardiomyopathy 1G; Autosomal recessive limb-girdle muscular dystrophy type 2J. Last evaluated: 2017-12-19. Review status: criteria provided, single submitter. Criteria: Invitae Variant Classification Sherloc (09022015). Collection method: clinical testing. Allele origin: germline.

NM_001267550.2(TTN):c.27715T>C (p.Tyr9239His)

Gene: TTN (titin; minus strand). Cytogenetic location: 2q31.2.
Variant type: single nucleotide variant.
Coding change: c.27715T>C on transcript NM_001267550.2 (MANE Select); coding-DNA position 27715, T replaced by C.
Protein change: p.Tyr9239His; replaces tyrosine 9239 with histidine.
Molecular consequence: missense variant. On other transcripts: intron variant (3).
Genome position (GRCh38, 1-based): chr2:178,712,115, A>G on the plus strand (T>C on the coding strand, the complement: TTN is on the minus strand). VCF-style: chr2-178712115-A-G. GRCh37 (hg19) VCF-style: chr2-179576842-A-G.
Other names: c.26764T>C, p.Tyr8922His (NM_001256850.1); c.23983T>C, p.Tyr7995His (NM_133378.4); c.13282+25967T>C (NM_003319.4); c.13858+25967T>C (NM_133437.4); c.13657+25967T>C (NM_133432.3); c.27715T>C (NM_001267550.1); short protein forms Y9239H, Y7995H, Y8922H.
Identifiers: ClinVar variation 290470 (VCV000290470.12), dbSNP rs373068293, ClinGen allele CA1999737.